The following is an entry in ClinVar:

Conditions:
Breast-ovarian cancer, familial, susceptibility to, 1 (BROVCA1). Also called: BRCA1 Hereditary Breast and Ovarian Cancer; OVARIAN CANCER, SUSCEPTIBILITY TO. Identifiers: Orphanet 145, MedGen C2676676, MONDO:0011450, OMIM 604370. Disease mechanism: loss of function.

Submission:

Brotman Baty Institute, University of Washington
No classification provided (evidence only). Condition: Breast-ovarian cancer, familial 1. Review status: no classification provided. Collection method: in vitro. Allele origin: not applicable. Functional consequence: functionally_abnormal.
ClinVar note: "not provided" was previously submitted as the classification for the variant. However, the classification appeared to be based only on an observation of functional data so it was converted to no classification on 2025-07-30.

NM_007294.4(BRCA1):c.5407-2A>C

Gene: BRCA1 (BRCA1 DNA repair associated; minus strand). Cytogenetic location: 17q21.31.
Variant type: single nucleotide variant.
Coding change: c.5407-2A>C on transcript NM_007294.4 (MANE Select); the canonical splice acceptor site of the intron before coding-DNA position 5407, A replaced by C.
Molecular consequence: splice acceptor variant.
Genome position (GRCh38, 1-based): chr17:43,047,705, T>G on the plus strand (A>C on the coding strand, the complement: BRCA1 is on the minus strand). VCF-style: chr17-43047705-T-G. GRCh37 (hg19) VCF-style: chr17-41199722-T-G.
Other names: c.5140-2A>C (NM_001407928.1, NM_001407929.1, NM_001407930.1 and 4 more transcripts); c.5143-2A>C (NM_001407925.1, NM_001407921.1, NM_001407926.1 and 4 more transcripts); c.1954-2A>C (NM_001408467.1, NM_001408459.1, NM_001408466.1 and 7 more transcripts); c.5189-2A>C (NM_001407945.1, NM_001407943.1, NM_001407944.1); c.5263-2A>C (NM_001407736.1, NM_001407749.1, NM_001407748.1 and 18 more transcripts); c.5266-2A>C (NM_007297.4, NM_001407731.1, NM_001407695.1 and 12 more transcripts); c.1894-2A>C (NM_001408475.1, NM_001408476.1); c.5200-2A>C (NM_001407875.1, NM_001407874.1); and 83 more.
Identifiers: ClinVar variation 868072 (VCV000868072.3), dbSNP rs80358002, ClinGen allele CA10590660.